The following is an entry in ClinVar:

NM_138393.4(REEP6):c.150C>A (p.Phe50Leu)

Gene: REEP6 (receptor accessory protein 6; plus strand). Cytogenetic location: 19p13.3.
Variant type: single nucleotide variant.
Coding change: c.150C>A on transcript NM_138393.4 (MANE Select); coding-DNA position 150, C replaced by A.
Protein change: p.Phe50Leu; replaces phenylalanine 50 with leucine.
Molecular consequence: missense variant.
Genome position (GRCh38, 1-based): chr19:1,495,328, C>A. VCF-style: chr19-1495328-C-A. GRCh37 (hg19) VCF-style: chr19-1495327-C-A.
Other names: c.150C>A, p.Phe50Leu (NM_001329556.3); c.150C>A (NM_138393.1); short protein forms F50L.
Identifiers: ClinVar variation 961751 (VCV000961751.9), dbSNP rs79574672, ClinGen allele CA9047412.

ClinVar aggregate classification (germline): Uncertain significance. Review status: criteria provided, multiple submitters, no conflicts (2 of 4 stars). 3 submissions from 3 submitters: Uncertain significance (3). Last evaluated 2025-05-07.

Conditions:
Inborn genetic diseases. Identifiers: MedGen C0950123, MeSH D030342.

Allele frequency attached by ClinVar (database versions not stated): TOPMed 0.00002.
gnomAD v4.1: 27 of 1,613,330 alleles (0.0017%); highest among the groups gnomAD compares: Non-Finnish European, 0.0023%; no homozygotes.

Submissions (4):

Ambry Genetics
Classification: Uncertain significance for Inborn genetic diseases. Last evaluated: 2025-05-07. Review status: criteria provided, single submitter. Criteria: Ambry Variant Classification Scheme 2023. Collection method: clinical testing. Allele origin: germline.

Labcorp Genetics (formerly Invitae), Labcorp
Classification: Uncertain significance. Last evaluated: 2021-11-05. Review status: criteria provided, single submitter. Criteria: Invitae Variant Classification Sherloc (09022015). Collection method: clinical testing. Allele origin: germline.
Comment: In summary, the available evidence is currently insufficient to determine the role of this variant in disease. Therefore, it has been classified as a Variant of Uncertain Significance. ClinVar contains an entry for this variant (Variation ID: 961751). This variant has not been reported in the literature in individuals affected with REEP6-related conditions. This variant is present in population databases (rs79574672, gnomAD 0.004%). This sequence change replaces phenylalanine, which is neutral and non-polar, with leucine, which is neutral and non-polar, at codon 50 of the REEP6 protein (p.Phe50Leu).

Blueprint Genetics
Classification: Uncertain significance. Last evaluated: 2019-04-27. Review status: criteria provided, single submitter. Criteria: ACMG Guidelines, 2015. Collection method: clinical testing. Allele origin: germline.

Dr. Peter K. Rogan Lab, Western University
No classification provided (evidence only). Condition: Thyroid cancer, nonmedullary, 1. Review status: no classification provided. Collection method: in vitro. Allele origin: not applicable. Functional consequence: retained intron. Not counted in ClinVar's aggregate classification.